The following is an entry in ClinVar:

ClinVar aggregate classification (germline): Benign (1 of 4 stars; one submission).

Submission:

CeGaT Center for Human Genetics Tuebingen
Classification: Benign. Last evaluated: 2024-09-01. Review status: criteria provided, single submitter. Criteria: CeGaT Center For Human Genetics Tuebingen Variant Classification Criteria Version 2. Collection method: clinical testing. Allele origin: germline. Affected: yes. Observed: 1 variant allele.
Comment: DAND5: BS1, BS2

NM_152654.3(DAND5):c.-36ACAG[2]

Gene: DAND5 (DAN domain BMP antagonist family member 5; plus strand). Cytogenetic location: 19p13.13.
Variant type: Microsatellite.
Coding change: c.-36ACAG[2] on transcript NM_152654.3 (MANE Select); two copies in a row of the 4-base unit ACAG starting at c.-36; the reference has three copies in a row; one copy, 4 bases deleted.
Molecular consequence: 5 prime UTR variant.
Genome position (GRCh38, 1-based): chr19:12,969,633-12,969,636, ACAG deleted; deleting any 4 consecutive bases within chr19:12,969,624-12,969,636 gives the same sequence; the position shown is the placement nearest the transcript's 3' end. VCF-style (leftmost placement, unchanged base first): chr19-12969623-GGACA-G. GRCh37 (hg19) VCF-style: chr19-13080437-GGACA-G.
Identifiers: ClinVar variation 3388567 (VCV003388567.14).